The following is an entry in ClinVar:

NM_005262.3(GFER):c.12C>T (p.Pro4=)

Genes: GFER (growth factor, augmenter of liver regeneration; plus strand), LOC130058203 (ATAC-STARR-seq lymphoblastoid silent region 7014; plus strand). Cytogenetic location: 16p13.3.
Variant type: single nucleotide variant.
Coding change: c.12C>T on transcript NM_005262.3 (MANE Select); coding-DNA position 12, C replaced by T.
Protein change: p.Pro4=; no amino-acid change (proline 4 retained).
Molecular consequence: synonymous variant.
Genome position (GRCh38, 1-based): chr16:1,984,230, C>T. VCF-style: chr16-1984230-C-T. GRCh37 (hg19) VCF-style: chr16-2034231-C-T.
Identifiers: ClinVar variation 515762 (VCV000515762.6), dbSNP rs1249413066, ClinGen allele CA492949445.

ClinVar aggregate classification (germline): Likely benign. Review status: criteria provided, multiple submitters, no conflicts (2 of 4 stars). 2 submissions from 2 submitters: Likely benign (2). Last evaluated 2026-01-26.

Allele frequency attached by ClinVar (database versions not stated): gnomAD 0.00001 and 0.00003; gnomAD exomes 0.00001 and 0.00004; TOPMed 0.00002; 1000 Genomes Project 30x 0.00031.

Submissions (2):

Labcorp Genetics (formerly Invitae), Labcorp
Classification: Likely benign. Last evaluated: 2026-01-26. Review status: criteria provided, single submitter. Criteria: Invitae Variant Classification Sherloc (09022015). Collection method: clinical testing. Allele origin: germline.

GeneDx
Classification: Likely benign. Last evaluated: 2018-03-02. Review status: criteria provided, single submitter. Criteria: GeneDx Variant Classification (06012015). Collection method: clinical testing. Allele origin: germline. Affected: yes.
Comment: This variant is considered likely benign or benign based on one or more of the following criteria: it is a conservative change, it occurs at a poorly conserved position in the protein, it is predicted to be benign by multiple in silico algorithms, and/or has population frequency not consistent with disease.